The following is an entry in ClinVar:

ClinVar aggregate classification (germline): Uncertain significance. Review status: criteria provided, multiple submitters, no conflicts (2 of 4 stars). 3 submissions from 3 submitters: Uncertain significance (2). 1 of the submissions does not count toward it. Last evaluated 2022-10-03.

Conditions:
Renal carnitine transport defect (CDSP). Also called: CARNITINE DEFICIENCY, SYSTEMIC, DUE TO DEFECT IN RENAL REABSORPTION OF CARNITINE; CARNITINE TRANSPORTER, PLASMA-MEMBRANE, DEFICIENCY OF; CARNITINE UPTAKE DEFECT; Carnitine transporter deficiency; Carnitine Deficiency, Systemic; Systemic primary carnitine deficiency disease. Identifiers: Orphanet 158, MedGen C0342788, MONDO:0008919, OMIM 212140.
Decreased circulating carnitine concentration. Also called: Decreased plasma carnitine. Identifiers: MedGen C5848230, HP:0003234.

Allele frequency attached by ClinVar (database versions not stated): gnomAD exomes 0.00001; ExAC 0.00003; gnomAD 0.00007 and 0.00008; TOPMed 0.00011; ESP Exome Variant Server 0.00015.
gnomAD v4.1: 16 of 1,614,004 alleles (0.00099%); highest among the groups gnomAD compares: African/African-American, 0.021%; no homozygotes.

Submissions (3):

Giacomini Lab, University of California, San Francisco
Classification: Uncertain significance for Renal carnitine transport defect. Last evaluated: 2022-10-03. Review status: criteria provided, single submitter. Criteria: ACMG Guidelines, 2015. Collection method: research, in vitro. Allele origin: germline, not applicable.

Labcorp Genetics (formerly Invitae), Labcorp
Classification: Uncertain significance for Renal carnitine transport defect. Last evaluated: 2022-08-20. Review status: criteria provided, single submitter. Criteria: Invitae Variant Classification Sherloc (09022015). Collection method: clinical testing. Allele origin: germline.
Comment: This sequence change replaces glycine, which is neutral and non-polar, with valine, which is neutral and non-polar, at codon 529 of the SLC22A5 protein (p.Gly529Val). This variant also falls at the last nucleotide of exon 9, which is part of the consensus splice site for this exon. The frequency data for this variant in the population databases is considered unreliable, as metrics indicate poor data quality at this position in the gnomAD database. This variant has not been reported in the literature in individuals affected with SLC22A5-related conditions. ClinVar contains an entry for this variant (Variation ID: 529847). Algorithms developed to predict the effect of missense changes on protein structure and function (SIFT, PolyPhen-2, Align-GVGD) all suggest that this variant is likely to be tolerated. Variants that disrupt the consensus splice site are a relatively common cause of aberrant splicing (PMID: 17576681, 9536098). Algorithms developed to predict the effect of sequence changes on RNA splicing suggest that this variant may disrupt the consensus splice site. In summary, the available evidence is currently insufficient to determine the role of this variant in disease. Therefore, it has been classified as a Variant of Uncertain Significance.

Natera, Inc.
Classification: Uncertain significance for Carnitine deficiency. Last evaluated: 2019-11-11. Review status: no assertion criteria provided. Collection method: clinical testing. Allele origin: germline. Not counted in ClinVar's aggregate classification.

Literature cited by the submitters: PubMed 17576681 (cited by Labcorp Genetics (formerly Invitae), Labcorp); PubMed 9536098 (cited by Labcorp Genetics (formerly Invitae), Labcorp).

NM_003060.4(SLC22A5):c.1586G>T (p.Gly529Val)

Gene: SLC22A5 (solute carrier family 22 member 5; plus strand). Cytogenetic location: 5q31.1.
Variant type: single nucleotide variant.
Coding change: c.1586G>T on transcript NM_003060.4 (MANE Select); coding-DNA position 1586, G replaced by T.
Protein change: p.Gly529Val; replaces glycine 529 with valine.
Molecular consequence: missense variant.
Genome position (GRCh38, 1-based): chr5:132,393,811, G>T. VCF-style: chr5-132393811-G-T. GRCh37 (hg19) VCF-style: chr5-131729503-G-T.
Other names: p.Gly529Val; c.1658G>T, p.Gly553Val (NM_001308122.2); short protein forms G529V, G553V.
Identifiers: ClinVar variation 529847 (VCV000529847.9), dbSNP rs201307440, ClinGen allele CA3404202.